The following is an entry in ClinVar:

NM_198253.3(TERT):c.567C>A (p.His189Gln)

Gene: TERT (telomerase reverse transcriptase; minus strand). Cytogenetic location: 5p15.33.
Variant type: single nucleotide variant.
Coding change: c.567C>A on transcript NM_198253.3 (MANE Select); coding-DNA position 567, C replaced by A.
Protein change: p.His189Gln; replaces histidine 189 with glutamine.
Molecular consequence: missense variant. On other transcripts: non-coding transcript variant (2).
Genome position (GRCh38, 1-based): chr5:1,294,319, G>T on the plus strand (C>A on the coding strand, the complement: TERT is on the minus strand). VCF-style: chr5-1294319-G-T. GRCh37 (hg19) VCF-style: chr5-1294434-G-T.
Other names: c.567C>A, p.His189Gln (NM_001193376.3); short protein forms H189Q.
Identifiers: ClinVar variation 645310 (VCV000645310.13), dbSNP rs747935528, ClinGen allele CA3184955.

ClinVar aggregate classification (germline): Conflicting classifications of pathogenicity. Review status: criteria provided, conflicting classifications (1 of 4 stars). 4 submissions from 4 submitters: Uncertain significance (3); Likely benign (1). Last evaluated 2025-12-10.

Conditions:
Acute myeloid leukemia (AML). Also called: Acute myeloid leukemia, adult; AML adult; Acute non-lymphocytic leukemia; Acute granulocytic leukemia; Leukemia, acute myeloid, somatic; Leukemia, acute myelogenous, somatic. Identifiers: Orphanet 519, MedGen C0023467, MeSH D015470, MONDO:0018874, OMIM 601626, HP:0004808. Disease mechanism: Constitutively activated FLT3.
Pulmonary fibrosis and/or bone marrow failure, Telomere-related, 1. Also called: PULMONARY FIBROSIS AND/OR BONE MARROW FAILURE SYNDROME, TELOMERE-RELATED, 1. Identifiers: Orphanet 88, MedGen C3553617, MONDO:0013878, OMIM 614742.
Melanoma, cutaneous malignant, susceptibility to, 9. Also called: Cutaneous malignant melanoma 9. Identifiers: Orphanet 618, MedGen C3554574, MONDO:0014056, OMIM 615134.
Dyskeratosis congenita, autosomal dominant 2. Identifiers: MedGen C3151443, MONDO:0013521, OMIM 613989.
Idiopathic Pulmonary Fibrosis. Also called: Idiopathic fibrosing alveolitis, chronic form; idiopathic fibrosing alveolitis. Identifiers: Orphanet 2032, MedGen C1800706, MeSH D054990, MONDO:0800504.
Dyskeratosis congenita. Identifiers: Orphanet 1775, MedGen C0265965, MONDO:0015780.

Allele frequency attached by ClinVar (database versions not stated): TOPMed below 0.00001; ExAC 0.00007.

Submissions (4):

Labcorp Genetics (formerly Invitae), Labcorp
Classification: Likely benign for Dyskeratosis congenita, autosomal dominant 2; Idiopathic Pulmonary Fibrosis. Last evaluated: 2025-12-10. Review status: criteria provided, single submitter. Criteria: Invitae Variant Classification Sherloc (09022015). Collection method: clinical testing. Allele origin: germline.

Ambry Genetics
Classification: Uncertain significance for Dyskeratosis congenita. Last evaluated: 2025-05-20. Review status: criteria provided, single submitter. Criteria: Ambry Variant Classification Scheme 2023. Collection method: clinical testing. Allele origin: germline.
Comment: The p.H189Q variant (also known as c.567C>A), located in coding exon 2 of the TERT gene, results from a C to A substitution at nucleotide position 567. The histidine at codon 189 is replaced by glutamine, an amino acid with highly similar properties. This amino acid position is poorly conserved in available vertebrate species. In addition, this alteration is predicted to be tolerated by in silico analysis. Based on the available evidence, the clinical significance of this variant remains unclear.

Fulgent Genetics
Classification: Uncertain significance for Acute myeloid leukemia; Dyskeratosis congenita, autosomal dominant 2; Pulmonary fibrosis and/or bone marrow failure, Telomere-related, 1; Melanoma, cutaneous malignant, susceptibility to, 9. Last evaluated: 2024-02-21. Review status: criteria provided, single submitter. Criteria: ACMG Guidelines, 2015. Collection method: clinical testing. Allele origin: germline.

GeneDx
Classification: Uncertain significance. Last evaluated: 2023-03-28. Review status: criteria provided, single submitter. Criteria: GeneDx Variant Classification Process June 2021. Collection method: clinical testing. Allele origin: germline. Affected: yes.
Comment: In silico analysis supports that this missense variant does not alter protein structure/function; Observed in an individual with breast cancer (Li et al., 2018); This variant is associated with the following publications: (PMID: 27149842, 29316957)